The following is an entry in ClinVar:

NM_004380.3(CREBBP):c.1700A>C (p.Asn567Thr)

Genes: CREBBP (CREB binding lysine acetyltransferase; minus strand), LOC130058353 (ATAC-STARR-seq lymphoblastoid active region 10333; plus strand). Cytogenetic location: 16p13.3.
Variant type: single nucleotide variant.
Coding change: c.1700A>C on transcript NM_004380.3 (MANE Select); coding-DNA position 1700, A replaced by C.
Protein change: p.Asn567Thr; replaces asparagine 567 with threonine.
Molecular consequence: missense variant.
Genome position (GRCh38, 1-based): chr16:3,780,855, T>G on the plus strand (A>C on the coding strand, the complement: CREBBP is on the minus strand). VCF-style: chr16-3780855-T-G. GRCh37 (hg19) VCF-style: chr16-3830856-T-G.
Other names: c.1586A>C, p.Asn529Thr (NM_001079846.1); short protein forms N529T, N567T.
Identifiers: ClinVar variation 3345551 (VCV003345551.1).
Genomic context (GRCh38, chr16:3,780,855, plus strand): 5'-CCGGTGCTAGAAGGAGGAGCTGCTGTTGGTATAGTGCTGAGGGTTCCAATGTTACCAGAG[T>G]TGGAGCCATCGTTCATCAGTGGGCTAAGGAGGAAATAAAGACACTTCATCCATCTACTGA-3'
Protein context (NP_004371.2, residues 557-577): ATNPLMNDGS[Asn567Thr]SGNIGTLSTI

ClinVar aggregate classification (germline): Uncertain significance (0 of 4 stars; one submission).

Conditions:
CREBBP-related disorder. Also called: CREBBP-related condition; CREBBP-related disorders.

gnomAD v4.1: 1 of 1,613,466 alleles (0.000062%); highest among the groups gnomAD compares: Non-Finnish European, 0.000085%; no homozygotes.

Submission:

PreventionGenetics, part of Exact Sciences
Classification: Uncertain significance for CREBBP-related condition. Last evaluated: 2024-08-30. Review status: no assertion criteria provided. Collection method: clinical testing. Allele origin: germline.
Comment: The CREBBP c.1700A>C variant is predicted to result in the amino acid substitution p.Asn567Thr. To our knowledge, this variant has not been reported in the literature or in a large population database, indicating this variant is rare. At this time, the clinical significance of this variant is uncertain due to the absence of conclusive functional and genetic evidence.